The following is an entry in ClinVar:

ClinVar aggregate classification (germline): Uncertain significance (1 of 4 stars; one submission).

Conditions:
Hereditary cancer-predisposing syndrome. Also called: Hereditary neoplastic syndrome; Hereditary Cancer Syndrome; Neoplastic Syndromes, Hereditary; Tumor predisposition. Identifiers: Orphanet 140162, MedGen C0027672, MeSH D009386, MONDO:0015356.

Submission:

Labcorp Genetics (formerly Invitae), Labcorp
Classification: Uncertain significance for Hereditary cancer-predisposing syndrome. Last evaluated: 2023-10-15. Review status: criteria provided, single submitter. Criteria: Invitae Variant Classification Sherloc (09022015). Collection method: clinical testing. Allele origin: germline.
Comment: This sequence change replaces glutamic acid, which is acidic and polar, with glycine, which is neutral and non-polar, at codon 1219 of the RAD50 protein (p.Glu1219Gly). This variant is not present in population databases (gnomAD no frequency). This variant has not been reported in the literature in individuals affected with RAD50-related conditions. Advanced modeling of protein sequence and biophysical properties (such as structural, functional, and spatial information, amino acid conservation, physicochemical variation, residue mobility, and thermodynamic stability) performed at Invitae indicates that this missense variant is expected to disrupt RAD50 protein function. In summary, the available evidence is currently insufficient to determine the role of this variant in disease. Therefore, it has been classified as a Variant of Uncertain Significance.

NM_005732.4(RAD50):c.3656A>G (p.Glu1219Gly)

Genes: TH2-LCR (Th2 cytokine locus control region; plus strand), RAD50 (RAD50 double strand break repair protein; plus strand), TH2LCRR (T helper type 2 locus control region associated RNA; minus strand). Cytogenetic location: 5q31.1.
Variant type: single nucleotide variant.
Coding change: c.3656A>G on transcript NM_005732.4 (MANE Select); coding-DNA position 3656, A replaced by G.
Protein change: p.Glu1219Gly; replaces glutamic acid 1219 with glycine.
Molecular consequence: missense variant.
Genome position (GRCh38, 1-based): chr5:132,640,709, A>G. VCF-style: chr5-132640709-A-G. GRCh37 (hg19) VCF-style: chr5-131976401-A-G.
Other names: short protein forms E1219G.
Identifiers: ClinVar variation 2768746 (VCV002768746.3), dbSNP rs2479434852, ClinGen allele CA360933883.